The following is an entry in ClinVar:

NM_000018.4(ACADVL):c.1699C>T (p.Arg567Trp)

Gene: ACADVL (acyl-CoA dehydrogenase very long chain; plus strand). Cytogenetic location: 17p13.1.
Variant type: single nucleotide variant.
Coding change: c.1699C>T on transcript NM_000018.4 (MANE Select); coding-DNA position 1699, C replaced by T.
Protein change: p.Arg567Trp; replaces arginine 567 with tryptophan.
Molecular consequence: missense variant.
Genome position (GRCh38, 1-based): chr17:7,224,662, C>T. VCF-style: chr17-7224662-C-T. GRCh37 (hg19) VCF-style: chr17-7127981-C-T.
Other names: c.1633C>T, p.Arg545Trp (NM_001033859.3); c.1768C>T, p.Arg590Trp (NM_001270447.2); c.1471C>T, p.Arg491Trp (NM_001270448.2); c.1699C>T (NM_000018.3); short protein forms R567W, R590W, R545W, R491W.
Identifiers: ClinVar variation 219172 (VCV000219172.9), dbSNP rs864321651, ClinGen allele CA279923.
Genomic context (GRCh38, chr17:7,224,662, plus strand): 5'-TAATGCCCCCACCCCCACCCCCACCCCACCTACCGGACAGATGAACAGTTTCTGCTGCAG[C>T]GGCTGGCAGACGGGGCCATCGACCTCTATGCCATGGTGGTGGTTCTCTCGAGGTGAGGAG-3'
Protein context (NP_000009.1, residues 557-577): GIVNEQFLLQ[Arg567Trp]LADGAIDLYA

ClinVar aggregate classification (germline): Conflicting classifications of pathogenicity. Review status: criteria provided, conflicting classifications (1 of 4 stars). 6 submissions from 6 submitters: Likely pathogenic (4); Uncertain significance (2). Last evaluated 2026-02-24.

Conditions:
Very long chain acyl-CoA dehydrogenase deficiency (ACADVLD). Also called: Very Long-Chain Acyl-Coenzyme A Dehydrogenase Deficiency; VLCAD Deficiency. Identifiers: Orphanet 26793, MedGen C3887523, MONDO:0008723, OMIM 201475.

Allele frequency attached by ClinVar (database versions not stated): gnomAD exomes below 0.00001.

Submissions (6):

Myriad Genetics, Inc.
Classification: Likely pathogenic for Very long chain acyl-CoA dehydrogenase deficiency. Last evaluated: 2026-02-24. Review status: criteria provided, single submitter. Criteria: Myriad Autosomal Dominant, Autosomal Recessive and X-Linked Classification Criteria (2023). Collection method: clinical testing. Allele origin: unknown.
Comment: NM_000018.3(ACADVL):c.1699C>T(R567W) is a missense variant classified as likely pathogenic in the context of very-long-chain acyl-CoA dehydrogenase deficiency. R567W has been observed in cases with relevant disease (PMID: 35281659, Guling_2020_(Article), Yanyun_2021_(Article)). Relevant functional assessments of this variant are not available in the literature. Internal structural analysis of the variant is supportive of pathogenicity. R567W has not been observed in referenced population frequency databases. In summary, NM_000018.3(ACADVL):c.1699C>T(R567W) is a missense variant that has internal structural support for pathogenicity and has been observed more frequently in cases with the relevant disease than in healthy populations. Please note: this variant was assessed in the context of healthy population screening.

Genomic Medicine Center of Excellence, King Faisal Specialist Hospital and Research Centre
Classification: Likely pathogenic for Very long chain acyl-CoA dehydrogenase deficiency. Last evaluated: 2025-09-10. Review status: criteria provided, single submitter. Criteria: ACMG Guidelines, 2015. Collection method: clinical testing. Allele origin: germline.

Women's Health and Genetics/Laboratory Corporation of America, LabCorp
Classification: Likely pathogenic for Very long chain acyl-CoA dehydrogenase deficiency. Last evaluated: 2025-03-18. Review status: criteria provided, single submitter. Criteria: LabCorp Variant Classification Summary - May 2015. Collection method: clinical testing. Allele origin: germline.
Comment: Variant summary: ACADVL c.1699C>T (p.Arg567Trp) results in a non-conservative amino acid change in the encoded protein sequence. Five of five in-silico tools predict a damaging effect of the variant on protein function. The variant allele was found at a frequency of 3.7e-06 in 1342862 control chromosomes (gnomAD). c.1699C>T has been reported in the literature in individuals affected with Very Long Chain Acyl-CoA Dehydrogenase Deficiency (Monies_2017, Olsson_2022). These data indicate that the variant may be associated with disease. A different variant affecting the same codon has been classified as pathogenic by our lab (c.1700G>A, p.Arg567Gln), supporting the critical relevance of codon 567 to ACADVL protein function. To our knowledge, no experimental evidence demonstrating an impact on protein function has been reported. The following publications have been ascertained in the context of this evaluation (PMID: 28600779, 35281659). ClinVar contains an entry for this variant (Variation ID: 219172). Based on the evidence outlined above, the variant was classified as likely pathogenic.

Natera, Inc.
Classification: Likely pathogenic for Very long chain acyl-CoA dehydrogenase deficiency. Last evaluated: 2024-11-21. Review status: criteria provided, single submitter. Criteria: Natera Variant Classification Schema (03/2026). Collection method: clinical testing. Allele origin: germline.
Comment: The c.1699C>T variant in ACADVL is a missense variant predicted to cause substitution of arginine to tryptophan at amino acid 567. This variant is rare in the general population with a frequency below the threshold expected for the associated phenotype(s). This variant has been observed in one or more individuals affected with the associated recessive disease, as either homozygous or compound heterozygous with a second variant (PMID: 35281659, 28600779). A different variant at the same position has been determined to be Pathogenic or Likely Pathogenic. Computational prediction algorithms indicate this variant is likely to affect gene or protein function. Given the available evidence, this variant is classified as Likely Pathogenic.

Labcorp Genetics (formerly Invitae), Labcorp
Classification: Uncertain significance for Very long chain acyl-CoA dehydrogenase deficiency. Last evaluated: 2022-08-08. Review status: criteria provided, single submitter. Criteria: Invitae Variant Classification Sherloc (09022015). Collection method: clinical testing. Allele origin: germline.
Comment: This sequence change replaces arginine, which is basic and polar, with tryptophan, which is neutral and slightly polar, at codon 567 of the ACADVL protein (p.Arg567Trp). The frequency data for this variant in the population databases is considered unreliable, as metrics indicate poor data quality at this position in the gnomAD database. This missense change has been observed in individual(s) with VLCAD deficiency (PMID: 28600779). This variant is also known as c.1633C>T:p.R545W. ClinVar contains an entry for this variant (Variation ID: 219172). Algorithms developed to predict the effect of missense changes on protein structure and function are either unavailable or do not agree on the potential impact of this missense change (SIFT: "Deleterious"; PolyPhen-2: "Probably Damaging"; Align-GVGD: "Class C0"). This variant disrupts the p.Arg567 amino acid residue in ACADVL. Other variant(s) that disrupt this residue have been determined to be pathogenic (PMID: 23480858; Invitae). This suggests that this residue is clinically significant, and that variants that disrupt this residue are likely to be disease-causing. In summary, the available evidence is currently insufficient to determine the role of this variant in disease. Therefore, it has been classified as a Variant of Uncertain Significance.

Strand Center for Genomics and Personalized Medicine, Strand Life Sciences Pvt Ltd
Classification: Uncertain significance for Very long chain acyl-CoA dehydrogenase deficiency. Review status: criteria provided, single submitter. Criteria: Strand Life Sciences Variant classification assertion Criteria. Collection method: clinical testing. Allele origin: germline. Inheritance: Autosomal recessive inheritance. Affected: no. Observed: 1 variant allele, 1 heterozygote.
Comment: Though the observed variant has not been reported in a clinical context, an overlapping known missense variant, p.Arg567Gln was found to be associated with very-long-chain acyl-CoA dehydrogenase (VLCAD) deficiency (VLCADD) and was suggested to be present in the C-terminal region unique to ACADVL and ACAD9. Fatty acid oxidation probe assay in patient fibroblast reported elevated C14 , C12 and C16 levels but the patient was asymptomatic. The VLCAD activity assay and immunohistologic staining for VLCAD performed on patient fibroblasts reported that p.Arg567Gln variant caused loss of expression and exhibited partial activity as compared to wild type cells. Moreover, prokaryotic mutagenesis and expression studies done on E.coli revealed that p.Arg567Gln variant markedly decreased VLCAD antigen levels making it deleterious while p.Gly514Glu variant showed normal VLCAD antigen levels [PMID:23480858]. Thus, alteration of Arg-567 in both copies of the gene is likely to play a role severe clinical manifestation. The novel variant Arg567Trp, has a probable but no proven role in the disease manifestation; thus it has been classified as a VUS with a likely role in the observed clinical indication.

Literature cited by the submitters: PubMed 28600779 (cited by 3 submitters); PubMed 35281659 (cited by Women's Health and Genetics/Laboratory Corporation of America, LabCorp and Natera, Inc.); PubMed 23480858 (cited by Labcorp Genetics (formerly Invitae), Labcorp and Strand Center for Genomics and Personalized Medicine, Strand Life Sciences Pvt Ltd).